The following is an entry in ClinVar:

ClinVar aggregate classification (germline): Likely benign (1 of 4 stars; one submission).

Submission:

CeGaT Center for Human Genetics Tuebingen
Classification: Likely benign. Last evaluated: 2022-11-01. Review status: criteria provided, single submitter. Criteria: CeGaT Center For Human Genetics Tuebingen Variant Classification Criteria Version 2. Collection method: clinical testing. Allele origin: germline. Affected: yes. Observed: 2 variant alleles.
Comment: ANKRD36: PM2:Supporting, BP4, BP7

NM_001354587.1(ANKRD36):c.5730G>C (p.Leu1910=)

Gene: ANKRD36 (ankyrin repeat domain 36; plus strand). Cytogenetic location: 2q11.2.
Variant type: single nucleotide variant.
Coding change: c.5730G>C on transcript NM_001354587.1 (MANE Select); coding-DNA position 5730, G replaced by C.
Protein change: p.Leu1910=; no amino-acid change (leucine 1910 retained).
Molecular consequence: synonymous variant.
Genome position (GRCh38, 1-based): chr2:97,250,149, G>C. VCF-style: chr2-97250149-G-C. GRCh37 (hg19) VCF-style: chr2-97915886-G-C.
Identifiers: ClinVar variation 2651167 (VCV002651167.23), dbSNP rs2478252235, ClinGen allele CA427656976.